The following is an entry in ClinVar:

ClinVar aggregate classification (germline): Uncertain significance. Review status: criteria provided, multiple submitters, no conflicts (2 of 4 stars). 5 submissions from 5 submitters: Uncertain significance (4). 1 of the submissions does not count toward it. Last evaluated 2023-12-29.

Conditions:
Wilson disease (WND). Also called: Wilson's disease. Identifiers: Orphanet 905, MedGen C0019202, MONDO:0010200, OMIM 277900. Disease mechanism: loss of function.

Allele frequency attached by ClinVar (database versions not stated): gnomAD exomes below 0.00001; TOPMed below 0.00001.
gnomAD v4.1: 4 of 1,614,252 alleles (0.00025%); highest among the groups gnomAD compares: East Asian, 0.0022%; no homozygotes.

Submissions (5):

Fulgent Genetics
Classification: Uncertain significance for Wilson disease. Last evaluated: 2023-12-29. Review status: criteria provided, single submitter. Criteria: ACMG Guidelines, 2015. Collection method: clinical testing. Allele origin: germline.

All of Us Research Program, National Institutes of Health
Classification: Uncertain significance for Wilson disease. Last evaluated: 2023-03-23. Review status: criteria provided, single submitter. Criteria: ACMG Guidelines, 2015. Collection method: clinical testing. Allele origin: germline. Inheritance: Autosomal recessive inheritance. Observed: 2 variant alleles, 2 heterozygotes.
Comment: This missense variant replaces tyrosine with cysteine at codon 44 of the ATP7B protein. Computational prediction suggests that this variant may have deleterious impact on protein structure and function (internally defined REVEL score threshold >= 0.7, PMID: 27666373). To our knowledge, functional studies have not been reported for this variant. This variant has not been reported in individuals affected with ATP7B-related disorders in the literature. This variant has been identified in 1/249450 chromosomes in the general population by the Genome Aggregation Database (gnomAD). The available evidence is insufficient to determine the role of this variant in disease conclusively. Therefore, this variant is classified as a Variant of Uncertain Significance.

This study involves interpretation of variants in research participants for the purpose of population health screening. Participant phenotype was not available at the time of variant classification. Additional details can be found in publication PMID: 35346344, PMCID: PMC8962531

Women's Health and Genetics/Laboratory Corporation of America, LabCorp
Classification: Uncertain significance. Last evaluated: 2022-10-13. Review status: criteria provided, single submitter. Criteria: LabCorp Variant Classification Summary - May 2015. Collection method: clinical testing. Allele origin: germline.

Labcorp Genetics (formerly Invitae), Labcorp
Classification: Uncertain significance for Wilson disease. Last evaluated: 2021-08-31. Review status: criteria provided, single submitter. Criteria: Invitae Variant Classification Sherloc (09022015). Collection method: clinical testing. Allele origin: germline.
Comment: This sequence change replaces tyrosine with cysteine at codon 44 of the ATP7B protein (p.Tyr44Cys). The tyrosine residue is moderately conserved and there is a large physicochemical difference between tyrosine and cysteine. This variant is not present in population databases (ExAC no frequency). This variant has not been reported in the literature in individuals affected with ATP7B-related conditions. Algorithms developed to predict the effect of missense changes on protein structure and function are either unavailable or do not agree on the potential impact of this missense change (SIFT: "Deleterious"; PolyPhen-2: "Probably Damaging"; Align-GVGD: "Class C0"). In summary, the available evidence is currently insufficient to determine the role of this variant in disease. Therefore, it has been classified as a Variant of Uncertain Significance.

Natera, Inc.
Classification: Uncertain significance for Wilson disease. Last evaluated: 2020-09-04. Review status: no assertion criteria provided. Collection method: clinical testing. Allele origin: germline. Not counted in ClinVar's aggregate classification.

NM_000053.4(ATP7B):c.131A>G (p.Tyr44Cys)

Gene: ATP7B (ATPase copper transporting beta; minus strand). Cytogenetic location: 13q14.3.
Variant type: single nucleotide variant.
Coding change: c.131A>G on transcript NM_000053.4 (MANE Select); coding-DNA position 131, A replaced by G.
Protein change: p.Tyr44Cys; replaces tyrosine 44 with cysteine.
Molecular consequence: missense variant.
Genome position (GRCh38, 1-based): chr13:51,975,089, T>C on the plus strand (A>G on the coding strand, the complement: ATP7B is on the minus strand). VCF-style: chr13-51975089-T-C. GRCh37 (hg19) VCF-style: chr13-52549225-T-C.
Other names: c.131A>G (NM_000053.3); c.131A>G, p.Tyr44Cys (NM_001005918.3, NM_001243182.2, NM_001330578.2 and 1 more transcripts); short protein forms Y44C.
Identifiers: ClinVar variation 991757 (VCV000991757.9), dbSNP rs1209726590, ClinGen allele CA388045264.